The following is an entry in ClinVar:

ClinVar aggregate classification (germline): Uncertain significance. Review status: criteria provided, multiple submitters, no conflicts (2 of 4 stars). 5 submissions from 5 submitters: Uncertain significance (4). 1 of the submissions does not count toward it. Last evaluated 2023-12-06.

Conditions:
Inborn genetic diseases. Identifiers: MedGen C0950123, MeSH D030342.
Retinitis pigmentosa 33 (RP33). Identifiers: Orphanet 791, MedGen C1835895, MONDO:0012477, OMIM 610359.
Retinal dystrophy. Also called: Inherited retinal dystrophy. Identifiers: Orphanet 71862, MedGen C0854723, MeSH D058499, MONDO:0019118, HP:0000556.

Allele frequency attached by ClinVar (database versions not stated): TOPMed below 0.00001; gnomAD exomes 0.00001; ExAC 0.00002; gnomAD 0.00002.
gnomAD v4.1: 24 of 1,612,618 alleles (0.0015%); highest among the groups gnomAD compares: South Asian, 0.015%; no homozygotes.

Submissions (5):

Labcorp Genetics (formerly Invitae), Labcorp
Classification: Uncertain significance. Last evaluated: 2023-12-06. Review status: criteria provided, single submitter. Criteria: Invitae Variant Classification Sherloc (09022015). Collection method: clinical testing. Allele origin: germline.
Comment: This sequence change replaces arginine, which is basic and polar, with histidine, which is basic and polar, at codon 1973 of the SNRNP200 protein (p.Arg1973His). The frequency data for this variant in the population databases is considered unreliable, as metrics indicate poor data quality at this position in the gnomAD database. This variant has not been reported in the literature in individuals affected with SNRNP200-related conditions. ClinVar contains an entry for this variant (Variation ID: 2436216). Advanced modeling of protein sequence and biophysical properties (such as structural, functional, and spatial information, amino acid conservation, physicochemical variation, residue mobility, and thermodynamic stability) performed at Invitae indicates that this missense variant is expected to disrupt SNRNP200 protein function with a positive predictive value of 80%. In summary, the available evidence is currently insufficient to determine the role of this variant in disease. Therefore, it has been classified as a Variant of Uncertain Significance.

Blueprint Genetics
Classification: Uncertain significance. Last evaluated: 2023-05-22. Review status: criteria provided, single submitter. Criteria: ACMG Guidelines, 2015. Collection method: clinical testing. Allele origin: germline.

Ambry Genetics
Classification: Uncertain significance for Inborn genetic diseases. Last evaluated: 2023-04-28. Review status: criteria provided, single submitter. Criteria: Ambry Variant Classification Scheme 2023. Collection method: clinical testing. Allele origin: germline.

Revvity Omics, Revvity
Classification: Uncertain significance for Retinitis pigmentosa 33. Last evaluated: 2022-03-10. Review status: criteria provided, single submitter. Criteria: ACMG Guidelines, 2015. Collection method: clinical testing. Allele origin: germline.

Institute of Human Genetics, Univ. Regensburg, Univ. Regensburg
Classification: Uncertain significance for Retinal dystrophy. Last evaluated: 2022-01-01. Review status: no assertion criteria provided. Criteria: ACMG Guidelines, 2015. Collection method: clinical testing. Allele origin: germline. Affected: yes. Not counted in ClinVar's aggregate classification.

NM_014014.5(SNRNP200):c.5918G>A (p.Arg1973His)

Gene: SNRNP200 (small nuclear ribonucleoprotein U5 subunit 200; minus strand). Cytogenetic location: 2q11.2.
Variant type: single nucleotide variant.
Coding change: c.5918G>A on transcript NM_014014.5 (MANE Select); coding-DNA position 5918, G replaced by A.
Protein change: p.Arg1973His; replaces arginine 1973 with histidine.
Molecular consequence: missense variant.
Genome position (GRCh38, 1-based): chr2:96,277,552, C>T on the plus strand (G>A on the coding strand, the complement: SNRNP200 is on the minus strand). VCF-style: chr2-96277552-C-T. GRCh37 (hg19) VCF-style: chr2-96943290-C-T.
Other names: c.5918G>A (NM_014014.4); short protein forms R1973H.
Identifiers: ClinVar variation 2436216 (VCV002436216.10), dbSNP rs757570476, ClinGen allele CA1777876.